The following is an entry in ClinVar:

ClinVar aggregate classification (germline): Uncertain significance (1 of 4 stars; one submission).

Conditions:
Mucopolysaccharidosis, MPS-IV-B (MPS4B). Also called: Mucopolysaccharidosis type IV B; Mucopolysaccharidosis Type IVB; Mucopolysaccharidosis type IVB (Morquio); MPS IVB; MORQUIO SYNDROME B; Mucopolysaccharidosis Type IVB (Morquio B Disease). Identifiers: Orphanet 309310, Orphanet 582, MedGen C0086652, MONDO:0009660, OMIM 253010.
GM1 gangliosidosis. Identifiers: Orphanet 354, MedGen C0085131, MONDO:0018149.

Submission:

Labcorp Genetics (formerly Invitae), Labcorp
Classification: Uncertain significance for Mucopolysaccharidosis, MPS-IV-B; GM1 gangliosidosis. Last evaluated: 2022-08-21. Review status: criteria provided, single submitter. Criteria: Invitae Variant Classification Sherloc (09022015). Collection method: clinical testing. Allele origin: germline.
Comment: This sequence change replaces leucine, which is neutral and non-polar, with proline, which is neutral and non-polar, at codon 70 of the GLB1 protein (p.Leu70Pro). This variant is not present in population databases (gnomAD no frequency). This variant has not been reported in the literature in individuals affected with GLB1-related conditions. Advanced modeling of protein sequence and biophysical properties (such as structural, functional, and spatial information, amino acid conservation, physicochemical variation, residue mobility, and thermodynamic stability) performed at Invitae indicates that this missense variant is expected to disrupt GLB1 protein function. In summary, the available evidence is currently insufficient to determine the role of this variant in disease. Therefore, it has been classified as a Variant of Uncertain Significance.

NM_000404.4(GLB1):c.209T>C (p.Leu70Pro)

Gene: GLB1 (galactosidase beta 1; minus strand). Cytogenetic location: 3p22.3.
Variant type: single nucleotide variant.
Coding change: c.209T>C on transcript NM_000404.4 (MANE Select); coding-DNA position 209, T replaced by C.
Protein change: p.Leu70Pro; replaces leucine 70 with proline.
Molecular consequence: missense variant.
Genome position (GRCh38, 1-based): chr3:33,072,580, A>G on the plus strand (T>C on the coding strand, the complement: GLB1 is on the minus strand). VCF-style: chr3-33072580-A-G. GRCh37 (hg19) VCF-style: chr3-33114072-A-G.
Other names: c.119T>C, p.Leu40Pro (NM_001079811.3); c.209T>C, p.Leu70Pro (NM_001135602.3, NM_001393580.1); c.353T>C, p.Leu118Pro (NM_001317040.2); short protein forms L40P, L118P, L70P.
Identifiers: ClinVar variation 2131662 (VCV002131662.4), dbSNP rs2471449186, ClinGen allele CA351996439.
Genomic context (GRCh38, chr3:33,072,580, plus strand): 5'-AGAGCCACATGCCCTCCTACTTACGTCTGGATGGCGTTCAGCCCAGCCATCTTCATCTTC[A>G]GCAGCCGGTCCTTCCAGTAGAAGCGGGGCACACGGGAGTAGTGAATGCTTCCTGAGATGT-3'
Protein context (NP_000395.3, residues 60-80): VPRFYWKDRL[Leu70Pro]KMKMAGLNAI